The following is an entry in ClinVar:

NM_012062.5(DNM1L):c.48C>T (p.Asn16=)

Gene: DNM1L (dynamin 1L; plus strand). Cytogenetic location: 12p11.21.
Variant type: single nucleotide variant.
Coding change: c.48C>T on transcript NM_012062.5 (MANE Select); coding-DNA position 48, C replaced by T.
Protein change: p.Asn16=; no amino-acid change (asparagine 16 retained).
Molecular consequence: synonymous variant. On other transcripts: 5 prime UTR variant (1).
Genome position (GRCh38, 1-based): chr12:32,679,411, C>T. VCF-style: chr12-32679411-C-T. GRCh37 (hg19) VCF-style: chr12-32832345-C-T.
Other names: c.48C>T, p.Asn16= (NM_001278463.2, NM_001278464.2, NM_001278465.2 and 3 more transcripts); c.-158C>T (NM_001278466.2).
Identifiers: ClinVar variation 3722933 (VCV003722933.4).

ClinVar aggregate classification (germline): Likely benign. Review status: criteria provided, multiple submitters, no conflicts (2 of 4 stars). 2 submissions from 2 submitters: Likely benign (2). Last evaluated 2026-04-01.

gnomAD v4.1: 1 of 1,613,826 alleles (0.000062%); highest among the groups gnomAD compares: Non-Finnish European, 0.000085%; no homozygotes.

Submissions (2):

CeGaT Center for Human Genetics Tuebingen
Classification: Likely benign. Last evaluated: 2026-04-01. Review status: criteria provided, single submitter. Criteria: CeGaT Center For Human Genetics Tuebingen Variant Classification Criteria Version 2. Collection method: clinical testing. Allele origin: germline. Affected: yes. Observed: 1 variant allele.
Comment: DNM1L: BP4, BP7

Labcorp Genetics (formerly Invitae), Labcorp
Classification: Likely benign. Last evaluated: 2024-10-15. Review status: criteria provided, single submitter. Criteria: Invitae Variant Classification Sherloc (09022015). Collection method: clinical testing. Allele origin: germline.